The following is an entry in ClinVar:

NM_007129.5(ZIC2):c.1380GGC[1] (p.Ala468_Ala470del)

Genes: ZIC2 (Zic family zinc finger 2; plus strand), LOC110008580 (Zic family member 2 polyalanine repeat instability region; plus strand). Cytogenetic location: 13q32.3.
Variant type: Microsatellite.
Coding change: c.1380GGC[1] on transcript NM_007129.5 (MANE Select); one copy of the 3-base unit GGC starting at c.1380; the reference has four copies in a row; three copies, 9 bases deleted.
Protein change: p.Ala468_Ala470del.
Molecular consequence: inframe deletion.
Genome position (GRCh38, 1-based): chr13:99,985,466-99,985,474, GGCGGCGGC deleted; deleting any 9 consecutive bases within chr13:99,985,461-99,985,474 gives the same sequence; the position shown is the placement nearest the transcript's 3' end. VCF-style (leftmost placement, unchanged base first): chr13-99985460-AGCGGCGGCG-A. GRCh37 (hg19) VCF-style: chr13-100637714-AGCGGCGGCG-A.
Identifiers: ClinVar variation 2893950 (VCV002893950.3), dbSNP rs762700653, ClinGen allele CA7032985.

ClinVar aggregate classification (germline): Uncertain significance (1 of 4 stars; one submission).

Conditions:
Holoprosencephaly 5 (HPE5). Identifiers: Orphanet 2162, MedGen C1864827, MONDO:0012322, OMIM 609637.

Submission:

Labcorp Genetics (formerly Invitae), Labcorp
Classification: Uncertain significance for Holoprosencephaly 5. Last evaluated: 2023-07-26. Review status: criteria provided, single submitter. Criteria: Invitae Variant Classification Sherloc (09022015). Collection method: clinical testing. Allele origin: germline.
Comment: Experimental studies and prediction algorithms are not available or were not evaluated, and the functional significance of this variant is currently unknown. In summary, the available evidence is currently insufficient to determine the role of this variant in disease. Therefore, it has been classified as a Variant of Uncertain Significance. This variant has not been reported in the literature in individuals affected with ZIC2-related conditions. The frequency data for this variant in the population databases is considered unreliable, as metrics indicate poor data quality at this position in the gnomAD database. This variant, c.1383_1391del, results in the deletion of 3 amino acid(s) of the ZIC2 protein (p.Ala468_Ala470del), but otherwise preserves the integrity of the reading frame.